The following is an entry in ClinVar:

ClinVar aggregate classification (germline): Likely benign. Review status: criteria provided, multiple submitters, no conflicts (2 of 4 stars). 6 submissions from 6 submitters: Likely benign (5). 1 of the submissions does not count toward it. Last evaluated 2025-09-30.

Conditions:
Polycystic kidney disease, adult type (PKD1). Also called: Polycystic Kidney, Autosomal Dominant; POLYCYSTIC KIDNEY DISEASE, ADULT, TYPE I; Polycystic Kidney Disease 1, Autosomal Dominant; Polycystic kidney disease 1; Polycystic kidney disease 1, severe; POLYCYSTIC KIDNEY DISEASE 1 WITH OR WITHOUT POLYCYSTIC LIVER DISEASE. Identifiers: MedGen C3149841, MONDO:0008263, OMIM 173900.
Polycystic kidney disease. Also called: Kidney, Polycystic; Polycystic kidney dysplasia. Identifiers: MedGen C0022680, MeSH D007690, MONDO:0020642, HP:0000113.

Allele frequency attached by ClinVar (database versions not stated): TOPMed 0.00019; gnomAD 0.00025; ExAC 0.00027; gnomAD exomes 0.00040; 1000 Genomes Project 30x 0.00125; 1000 Genomes Project 0.00160.

Submissions (6):

Women's Health and Genetics/Laboratory Corporation of America, LabCorp
Classification: Likely benign. Last evaluated: 2025-09-30. Review status: criteria provided, single submitter. Criteria: LabCorp Variant Classification Summary - May 2015. Collection method: clinical testing. Allele origin: germline.
Comment: Variant summary: PKD1 c.7866C>T (p.Tyr2622Tyr) alters a nucleotide located close to a canonical splice site and therefore could affect mRNA splicing, leading to a significantly altered protein sequence. Consensus agreement among computation tools predict no significant impact on normal splicing. At least one publication found experimental evidence showing no effect on splicing (Liu_2023). The variant allele was found at a frequency of 0.0004 in 230516 control chromosomes in the gnomAD database, including 2 homozygotes. This frequency is not significantly higher than estimated for disease-causing variants in PKD1, allowing no conclusion about variant significance. c.7866C>T has been observed in individuals affected with Polycystic Kidney Disease 1 without strong evidence of causality (e.g., Dai_2006, Yu_2011). These repor(s do not provide unequivocal conclusions about association of the variant with Polycystic Kidney Disease 1. To our knowledge, no experimental evidence demonstrating an impact on protein function has been reported. The following publications have been ascertained in the context of this evaluation (PMID: 22185115, 17134592, 37468838). ClinVar contains an entry for this variant (Variation ID: 997342). Based on the evidence outlined above, the variant was classified as likely benign.

CeGaT Center for Human Genetics Tuebingen
Classification: Likely benign. Last evaluated: 2025-09-01. Review status: criteria provided, single submitter. Criteria: CeGaT Center For Human Genetics Tuebingen Variant Classification Criteria Version 2. Collection method: clinical testing. Allele origin: germline. Affected: yes. Observed: 1 variant allele.
Comment: PKD1: BP4, BP7

Mayo Clinic Laboratories, Mayo Clinic
Classification: Likely benign. Last evaluated: 2025-03-28. Review status: criteria provided, single submitter. Criteria: ACMG Guidelines, 2015. Collection method: clinical testing. Allele origin: germline. Observed: 2 variant alleles.
Comment: BS1, BP4, BP7

Blueprint Genetics
Classification: Likely benign. Last evaluated: 2024-10-02. Review status: criteria provided, single submitter. Criteria: ACMG Guidelines, 2015. Collection method: clinical testing. Allele origin: germline.

Fulgent Genetics
Classification: Likely benign for Polycystic kidney disease, adult type. Last evaluated: 2021-12-09. Review status: criteria provided, single submitter. Criteria: ACMG Guidelines, 2015. Collection method: clinical testing. Allele origin: unknown.

Department of Pathology and Laboratory Medicine, Sinai Health System
Classification: Benign for Polycystic Kidney disease. Review status: no assertion criteria provided. Collection method: clinical testing. Allele origin: unknown. Affected: yes. Study: The Canadian Open Genetics Repository (COGR). Not counted in ClinVar's aggregate classification.
Comment: The PKD1 p.Tyr2622= variant was identified in the literature however the frequency of this variant in an affected population was not provided (Zhang_2004_15775720, Yu_2011_22185115). The variant was also identified in dbSNP (ID: rs181130940) as â€šÃ„ÃºNAâ€šÃ„Ã¹, and the ADPKD Mutation Database (classified as likely neutral by Athena Diagnostics). The variant was not identified in ClinVar, Clinvitae, GeneInsight-COGR, or LOVD 3.0 databases. The variant was identified in control databases in 95 of 258490 chromosomes (2 homozygous) at a frequency of 0.0004 increasing the likelihood this could be a low frequency benign variant (Genome Aggregation Database Feb 27, 2017). Breakdown of the observations by population include Other in 2 of 6228 chromosomes (freq: 0.0003), East Asian in 91 of 18534 chromosomes (freq: 0.005), and South Asian in 2 of 30504 chromosomes (freq: 0.00007) while the variant was not observed in the African, Latino, European Non-Finnish, Ashkenazi Jewish, European Finnish populations. In addition we cannot be certain that data from control databases is specific to PKD1 and not from one of the six PKD1 pseudogenes. The variant occurs outside of the splicing consensus sequence and 1 of 5 in silico or computational prediction software programs (SpliceSiteFinder, MaxEntScan, NNSPLICE, GeneSplicer, HumanSpliceFinder) predict a greater than 10% difference in splicing; this is not very predictive of pathogenicity. The p.Tyr2622= variant is not expected to have clinical significance because it does not result in a change of amino acid and is not located in a known consensus splice site. In summary, based on the above information this variant meets our laboratory criteria to be classified as benign.

Literature cited by the submitters: PubMed 22185115 (cited by Women's Health and Genetics/Laboratory Corporation of America, LabCorp); PubMed 17134592 (cited by Women's Health and Genetics/Laboratory Corporation of America, LabCorp); PubMed 37468838 (cited by Women's Health and Genetics/Laboratory Corporation of America, LabCorp).

NM_001009944.3(PKD1):c.7866C>T (p.Tyr2622=)

Gene: PKD1 (polycystin 1, transient receptor potential channel interacting; minus strand). Cytogenetic location: 16p13.3.
Variant type: single nucleotide variant.
Coding change: c.7866C>T on transcript NM_001009944.3 (MANE Select); coding-DNA position 7866, C replaced by T.
Protein change: p.Tyr2622=; no amino-acid change (tyrosine 2622 retained).
Molecular consequence: synonymous variant.
Genome position (GRCh38, 1-based): chr16:2,105,472, G>A on the plus strand (C>T on the coding strand, the complement: PKD1 is on the minus strand). VCF-style: chr16-2105472-G-A. GRCh37 (hg19) VCF-style: chr16-2155473-G-A.
Other names: p.Tyr2622=; c.7866C>T, p.Tyr2622= (NM_000296.4).
Identifiers: ClinVar variation 997342 (VCV000997342.10), dbSNP rs181130940, ClinGen allele CA7830831.